The following is an entry in ClinVar:

ClinVar aggregate classification (germline): Conflicting classifications of pathogenicity. Review status: criteria provided, conflicting classifications (1 of 4 stars). 7 submissions from 7 submitters: Uncertain significance (2); Benign (2); Likely benign (2). 1 of the submissions does not count toward it. Last evaluated 2026-03-01.

Conditions:
KCNC3-related disorder. Also called: KCNC3-related condition.
Inborn genetic diseases. Identifiers: MedGen C0950123, MeSH D030342.

Allele frequency attached by ClinVar (database versions not stated): gnomAD 0.00011; 1000 Genomes Project 30x 0.00125.

Submissions (7):

CeGaT Center for Human Genetics Tuebingen
Classification: Likely benign. Last evaluated: 2026-03-01. Review status: criteria provided, single submitter. Criteria: CeGaT Center For Human Genetics Tuebingen Variant Classification Criteria Version 2. Collection method: clinical testing. Allele origin: germline. Affected: yes. Observed: 2 variant alleles.
Comment: KCNC3: PP3, BS1

Labcorp Genetics (formerly Invitae), Labcorp
Classification: Benign. Last evaluated: 2024-11-18. Review status: criteria provided, single submitter. Criteria: Invitae Variant Classification Sherloc (09022015). Collection method: clinical testing. Allele origin: germline.

Ambry Genetics
Classification: Uncertain significance for Inborn genetic diseases. Last evaluated: 2024-11-09. Review status: criteria provided, single submitter. Criteria: Ambry Variant Classification Scheme 2023. Collection method: clinical testing. Allele origin: germline.

Blueprint Genetics
Classification: Likely benign. Last evaluated: 2024-11-01. Review status: criteria provided, single submitter. Criteria: ACMG Guidelines, 2015. Collection method: clinical testing. Allele origin: germline.

Athena Diagnostics
Classification: Benign. Last evaluated: 2017-04-14. Review status: criteria provided, single submitter. Criteria: Athena Diagnostics Criteria. Collection method: clinical testing. Allele origin: germline.

Eurofins Ntd Llc (ga)
Classification: Uncertain significance. Last evaluated: 2017-01-26. Review status: criteria provided, single submitter. Criteria: EGL Classification Definitions 2015. Collection method: clinical testing. Allele origin: germline. Observed: 1 variant allele, 1 heterozygote.

PreventionGenetics, part of Exact Sciences
Classification: Likely benign for KCNC3-related condition. Last evaluated: 2020-03-23. Review status: no assertion criteria provided. Collection method: clinical testing. Allele origin: germline. Not counted in ClinVar's aggregate classification.
Comment: This variant is classified as likely benign based on ACMG/AMP sequence variant interpretation guidelines (Richards et al. 2015 PMID: 25741868, with internal and published modifications).

NM_004977.3(KCNC3):c.23C>G (p.Ser8Trp)

Genes: KCNC3 (potassium voltage-gated channel subfamily C member 3; minus strand), LOC111811967 (Sharpr-MPRA regulatory region 11330/13384; plus strand). Cytogenetic location: 19q13.33.
Variant type: single nucleotide variant.
Coding change: c.23C>G on transcript NM_004977.3 (MANE Select); coding-DNA position 23, C replaced by G.
Protein change: p.Ser8Trp; replaces serine 8 with tryptophan.
Molecular consequence: missense variant. On other transcripts: 5 prime UTR variant (1).
Genome position (GRCh38, 1-based): chr19:50,329,060, G>C on the plus strand (C>G on the coding strand, the complement: KCNC3 is on the minus strand). VCF-style: chr19-50329060-G-C. GRCh37 (hg19) VCF-style: chr19-50832317-G-C.
Other names: c.-206C>G (NM_001372305.1); short protein forms S8W.
Identifiers: ClinVar variation 447623 (VCV000447623.39), dbSNP rs761806977, ClinGen allele CA309576232.